The following is an entry in ClinVar:

ClinVar aggregate classification (germline): Conflicting classifications of pathogenicity. Review status: criteria provided, conflicting classifications (1 of 4 stars). 3 submissions from 3 submitters: Uncertain significance (2); Likely benign (1). Last evaluated 2026-01-21.

Conditions:
Inborn genetic diseases. Identifiers: MedGen C0950123, MeSH D030342.

Allele frequency attached by ClinVar (database versions not stated): gnomAD 0.00001; TOPMed 0.00006.
gnomAD v4.1: 8 of 1,611,854 alleles (0.0005%); highest among the groups gnomAD compares: Admixed American, 0.0017%; no homozygotes.

Submissions (3):

Labcorp Genetics (formerly Invitae), Labcorp
Classification: Likely benign. Last evaluated: 2026-01-21. Review status: criteria provided, single submitter. Criteria: Invitae Variant Classification Sherloc (09022015). Collection method: clinical testing. Allele origin: germline.

Ambry Genetics
Classification: Uncertain significance for Inborn genetic diseases. Last evaluated: 2025-04-02. Review status: criteria provided, single submitter. Criteria: Ambry Variant Classification Scheme 2023. Collection method: clinical testing. Allele origin: germline.

GeneDx
Classification: Uncertain significance. Last evaluated: 2024-01-05. Review status: criteria provided, single submitter. Criteria: GeneDx Variant Classification Process June 2021. Collection method: clinical testing. Allele origin: germline. Affected: yes.
Comment: In silico analysis supports that this missense variant does not alter protein structure/function; Occurs in the triple helical domain at the Y position in the canonical Gly-X-Y repeat; although this variant may have an effect on normal protein folding and function, missense substitution at the Y position is not a common mechanism of disease (HGMD); Has not been previously published as pathogenic or benign to our knowledge

NM_001844.5(COL2A1):c.2416G>T (p.Val806Phe)

Gene: COL2A1 (collagen type II alpha 1 chain; minus strand). Cytogenetic location: 12q13.11.
Variant type: single nucleotide variant.
Coding change: c.2416G>T on transcript NM_001844.5 (MANE Select); coding-DNA position 2416, G replaced by T.
Protein change: p.Val806Phe; replaces valine 806 with phenylalanine.
Molecular consequence: missense variant.
Genome position (GRCh38, 1-based): chr12:47,981,390, C>A on the plus strand (G>T on the coding strand, the complement: COL2A1 is on the minus strand). VCF-style: chr12-47981390-C-A. GRCh37 (hg19) VCF-style: chr12-48375173-C-A.
Other names: c.2416G>T (NM_001844.4); c.2209G>T, p.Val737Phe (NM_033150.3); short protein forms V737F, V806F.
Identifiers: ClinVar variation 2989053 (VCV002989053.5), dbSNP rs548481093, ClinGen allele CA236523688.
Genomic context (GRCh38, chr12:47,981,390, plus strand): 5'-GGCAGACACTCACCGGAGCGCCACGAGCACCAGCACTTCCTGCAGGACCAGGAGGTCCAA[C>A]TTCTCCCTGAGGGTGGGGAAGGGAGGAAGAGCTGGGGTAAGAAGGTGGGGAGGCAGAGTG-3'
Protein context (NP_001835.3, residues 796-816): PAGANGEKGE[Val806Phe]GPPGPAGSAG